The following is an entry in ClinVar:

NM_002471.4(MYH6):c.234G>C (p.Gln78His)

Genes: MYH6 (myosin heavy chain 6; minus strand), LOC114827851 (VISTA enhancer hs2155; plus strand). Cytogenetic location: 14q11.2.
Variant type: single nucleotide variant.
Coding change: c.234G>C on transcript NM_002471.4 (MANE Select); coding-DNA position 234, G replaced by C.
Protein change: p.Gln78His; replaces glutamine 78 with histidine.
Molecular consequence: missense variant.
Genome position (GRCh38, 1-based): chr14:23,405,738, C>G on the plus strand (G>C on the coding strand, the complement: MYH6 is on the minus strand). VCF-style: chr14-23405738-C-G. GRCh37 (hg19) VCF-style: chr14-23874947-C-G.
Other names: short protein forms Q78H.
Identifiers: ClinVar variation 2285577 (VCV002285577.2), dbSNP rs1891766127, ClinGen allele CA389031769.

ClinVar aggregate classification (germline): Uncertain significance (1 of 4 stars; one submission).

Conditions:
Cardiovascular phenotype. Identifiers: MedGen CN230736.

Submission:

Ambry Genetics
Classification: Uncertain significance for Cardiovascular phenotype. Last evaluated: 2023-01-20. Review status: criteria provided, single submitter. Criteria: Ambry Variant Classification Scheme 2023. Collection method: clinical testing. Allele origin: germline.
Comment: The p.Q78H variant (also known as c.234G>C), located in coding exon 2 of the MYH6 gene, results from a G to C substitution at nucleotide position 234. The glutamine at codon 78 is replaced by histidine, an amino acid with highly similar properties. This amino acid position is conserved. In addition, this alteration is predicted to be tolerated by in silico analysis. Since supporting evidence is limited at this time, the clinical significance of this alteration remains unclear.